The following is an entry in ClinVar:

NM_025193.4(HSD3B7):c.500A>G (p.Glu167Gly)

Gene: HSD3B7 (hydroxy-delta-5-steroid dehydrogenase, 3 beta- and steroid delta-isomerase 7; plus strand). Cytogenetic location: 16p11.2.
Variant type: single nucleotide variant.
Coding change: c.500A>G on transcript NM_025193.4 (MANE Select); coding-DNA position 500, A replaced by G.
Protein change: p.Glu167Gly; replaces glutamic acid 167 with glycine.
Molecular consequence: missense variant.
Genome position (GRCh38, 1-based): chr16:30,986,673, A>G. VCF-style: chr16-30986673-A-G. GRCh37 (hg19) VCF-style: chr16-30997994-A-G.
Other names: c.500A>G, p.Glu167Gly (NM_001142777.2, NM_001142778.2); short protein forms E167G.
Identifiers: ClinVar variation 4768800 (VCV004768800.1).
Genomic context (GRCh38, chr16:30,986,673, plus strand): 5'-AAGACACCCCATACGAAGCAGTGCACAGGCACCCCTATCCTTGCAGCAAGGCCCTGGCCG[A>G]GTGGCTGGTCCTGGAGGCCAACGGGAGGAAGGTGAGCCCAGAAAAAGGAGGCGCAGAGAT-3'
Protein context (NP_079469.2, residues 157-177): HPYPCSKALA[Glu167Gly]WLVLEANGRK

ClinVar aggregate classification (germline): Uncertain significance (1 of 4 stars; one submission).

Submission:

Labcorp Genetics (formerly Invitae), Labcorp
Classification: Uncertain significance. Last evaluated: 2025-12-19. Review status: criteria provided, single submitter. Criteria: Invitae Variant Classification Sherloc (09022015). Collection method: clinical testing. Allele origin: germline.
Comment: This sequence change replaces glutamic acid, which is acidic and polar, with glycine, which is neutral and non-polar, at codon 167 of the HSD3B7 protein (p.Glu167Gly). This variant is not present in population databases (gnomAD no frequency). This variant has not been reported in the literature in individuals affected with HSD3B7-related conditions. Invitae Evidence Modeling of protein sequence and biophysical properties (such as structural, functional, and spatial information, amino acid conservation, physicochemical variation, residue mobility, and thermodynamic stability) indicates that this missense variant is expected to disrupt HSD3B7 protein function with a positive predictive value of 80%. In summary, the available evidence is currently insufficient to determine the role of this variant in disease. Therefore, it has been classified as a Variant of Uncertain Significance.